The following is an entry in ClinVar:

NM_000459.5(TEK):c.*717T>A

Gene: TEK (TEK receptor tyrosine kinase; plus strand). Cytogenetic location: 9p21.2.
Variant type: single nucleotide variant.
Coding change: c.*717T>A on transcript NM_000459.5 (MANE Select); 717 bases downstream of the stop codon, T replaced by A.
Molecular consequence: 3 prime UTR variant.
Genome position (GRCh38, 1-based): chr9:27,229,949, T>A. VCF-style: chr9-27229949-T-A. GRCh37 (hg19) VCF-style: chr9-27229947-T-A.
Other names: c.*717T>A (NM_001290077.2, NM_001290078.2, NM_001375475.1 and 1 more transcripts).
Identifiers: ClinVar variation 366475 (VCV000366475.6), dbSNP rs41272851, ClinGen allele CA10633734.

ClinVar aggregate classification (germline): Benign. Review status: criteria provided, multiple submitters, no conflicts (2 of 4 stars). 2 submissions from 2 submitters: Benign (2). Last evaluated 2018-01-12.

Conditions:
Multiple cutaneous and mucosal venous malformations (VMCM). Also called: TEK-Related Multiple Cutaneous and Mucosal Venous Malformations (VMCM). Identifiers: Orphanet 2451, MedGen C1838437, MONDO:0010842, OMIM 600195.

Allele frequency attached by ClinVar (database versions not stated): 1000 Genomes Project 30x 0.06543; gnomAD exomes 0.02273; gnomAD 0.05489 and 0.05369; 1000 Genomes Project 0.06410; TOPMed 0.05804.
gnomAD v4.1: 8,278 of 152,310 alleles (5.4%); highest among the groups gnomAD compares: Admixed American, 15%; 383 homozygotes.

Submissions (2):

Illumina Laboratory Services, Illumina
Classification: Benign for Multiple cutaneous and mucosal venous malformations. Last evaluated: 2018-01-12. Review status: criteria provided, single submitter. Criteria: ICSL Variant Classification Criteria 13 December 2019. Collection method: clinical testing. Allele origin: germline.
Comment: This variant was observed in the ICSL laboratory as part of a predisposition screen in an ostensibly healthy population. It had not been previously curated by ICSL or reported in the Human Gene Mutation Database (HGMD: prior to June 1st, 2018), and was therefore a candidate for classification through an automated scoring system. Utilizing variant allele frequency, disease prevalence and penetrance estimates, and inheritance mode, an automated score was calculated to assess if this variant is too frequent to cause the disease. Based on the score and internal cut-off values, a variant classified as benign is not then subjected to further curation. The score for this variant resulted in a classification of benign for this disease.

Breakthrough Genomics
Classification: Benign. Review status: criteria provided, single submitter. Criteria: ACMG Guidelines, 2015. Collection method: not provided. Allele origin: germline. Inheritance: Autosomal dominant inheritance. Affected: yes.